The following is an entry in ClinVar:

ClinVar aggregate classification (germline): Benign/Likely benign. Review status: criteria provided, multiple submitters, no conflicts (2 of 4 stars). 2 submissions from 2 submitters: Benign (1); Likely benign (1). Last evaluated 2025-11-01.

Allele frequency attached by ClinVar (database versions not stated): ExAC 0.00001; gnomAD 0.00001; gnomAD exomes 0.00001; ESP Exome Variant Server 0.00008.

Submissions (2):

CeGaT Center for Human Genetics Tuebingen
Classification: Likely benign. Last evaluated: 2025-11-01. Review status: criteria provided, single submitter. Criteria: CeGaT Center For Human Genetics Tuebingen Variant Classification Criteria Version 2. Collection method: clinical testing. Allele origin: germline. Affected: yes. Observed: 1 variant allele.
Comment: HIVEP2: BP4, BP7

Labcorp Genetics (formerly Invitae), Labcorp
Classification: Benign. Last evaluated: 2024-12-02. Review status: criteria provided, single submitter. Criteria: Invitae Variant Classification Sherloc (09022015). Collection method: clinical testing. Allele origin: germline.

NM_006734.4(HIVEP2):c.1152G>A (p.Ser384=)

Gene: HIVEP2 (HIVEP zinc finger 2; minus strand). Cytogenetic location: 6q24.2.
Variant type: single nucleotide variant.
Coding change: c.1152G>A on transcript NM_006734.4 (MANE Select); coding-DNA position 1152, G replaced by A.
Protein change: p.Ser384=; no amino-acid change (serine 384 retained).
Molecular consequence: synonymous variant.
Genome position (GRCh38, 1-based): chr6:142,773,587, C>T on the plus strand (G>A on the coding strand, the complement: HIVEP2 is on the minus strand). VCF-style: chr6-142773587-C-T. GRCh37 (hg19) VCF-style: chr6-143094724-C-T.
Identifiers: ClinVar variation 2067342 (VCV002067342.10), dbSNP rs376842846, ClinGen allele CA4028643.